The following is an entry in ClinVar:

NM_020461.4(TUBGCP6):c.855C>T (p.Ala285=)

Gene: TUBGCP6 (tubulin gamma complex component 6; minus strand). Cytogenetic location: 22q13.33.
Variant type: single nucleotide variant.
Coding change: c.855C>T on transcript NM_020461.4 (MANE Select); coding-DNA position 855, C replaced by T.
Protein change: p.Ala285=; no amino-acid change (alanine 285 retained).
Molecular consequence: synonymous variant.
Genome position (GRCh38, 1-based): chr22:50,240,254, G>A on the plus strand (C>T on the coding strand, the complement: TUBGCP6 is on the minus strand). VCF-style: chr22-50240254-G-A. GRCh37 (hg19) VCF-style: chr22-50678683-G-A.
Other names: c.855C>T (NM_020461.3).
Identifiers: ClinVar variation 1150078 (VCV001150078.31), dbSNP rs150035136, ClinGen allele CA10308934.
Genomic context (GRCh38, chr22:50,240,254, plus strand): 5'-GGGCACACACCAGCCAACTCGCTCCCAGCACCTCCGCTTGCTGGCCTCATAGGTAAGTGC[G>A]GCTTCCCACAGGTCCACGTCTGGGGTCACGCTGGGCTCAGACTGGGAATCAGGAGTCAAG-3'
Protein context (NP_065194.3, residues 275-295): SVTPDVDLWE[Ala285=]ALTYEASKRR

ClinVar aggregate classification (germline): Likely benign. Review status: criteria provided, multiple submitters, no conflicts (2 of 4 stars). 4 submissions from 4 submitters: Likely benign (3). 1 of the submissions does not count toward it. Last evaluated 2025-12-22.

Conditions:
TUBGCP6-related disorder. Also called: TUBGCP6-related condition.

Allele frequency attached by ClinVar (database versions not stated): gnomAD 0.00015 and 0.00016; 1000 Genomes Project 30x 0.00016; TOPMed 0.00017; ExAC 0.00018; gnomAD exomes 0.00018 and 0.00020; 1000 Genomes Project 0.00020; ESP Exome Variant Server 0.00046.
gnomAD v4.1: 320 of 1,613,946 alleles (0.02%); highest among the groups gnomAD compares: Admixed American, 0.03%; no homozygotes.

Submissions (4):

Labcorp Genetics (formerly Invitae), Labcorp
Classification: Likely benign. Last evaluated: 2025-12-22. Review status: criteria provided, single submitter. Criteria: Invitae Variant Classification Sherloc (09022015). Collection method: clinical testing. Allele origin: germline.

Blueprint Genetics
Classification: Likely benign. Last evaluated: 2024-04-17. Review status: criteria provided, single submitter. Criteria: ACMG Guidelines, 2015. Collection method: clinical testing. Allele origin: germline.

CeGaT Center for Human Genetics Tuebingen
Classification: Likely benign. Last evaluated: 2024-04-01. Review status: criteria provided, single submitter. Criteria: CeGaT Center For Human Genetics Tuebingen Variant Classification Criteria Version 2. Collection method: clinical testing. Allele origin: germline. Affected: yes. Observed: 1 variant allele.
Comment: TUBGCP6: BP4, BP7

PreventionGenetics, part of Exact Sciences
Classification: Likely benign for TUBGCP6-related condition. Last evaluated: 2019-09-05. Review status: no assertion criteria provided. Collection method: clinical testing. Allele origin: germline. Not counted in ClinVar's aggregate classification.
Comment: This variant is classified as likely benign based on ACMG/AMP sequence variant interpretation guidelines (Richards et al. 2015 PMID: 25741868, with internal and published modifications).